The following is an entry in ClinVar:

NM_032119.4(ADGRV1):c.*60A>G

Gene: ADGRV1 (adhesion G protein-coupled receptor V1; plus strand). Cytogenetic location: 5q14.3.
Variant type: single nucleotide variant.
Coding change: c.*60A>G on transcript NM_032119.4 (MANE Select); 60 bases downstream of the stop codon, A replaced by G.
Molecular consequence: 3 prime UTR variant. On other transcripts: non-coding transcript variant (1).
Genome position (GRCh38, 1-based): chr5:91,163,960, A>G. VCF-style: chr5-91163960-A-G. GRCh37 (hg19) VCF-style: chr5-90459777-A-G.
Other names: NC_000005.9:g.90459777A>G.
Identifiers: ClinVar variation 906777 (VCV000906777.6), dbSNP rs41311627, ClinGen allele CA3342784.

ClinVar aggregate classification (germline): Benign. Review status: criteria provided, multiple submitters, no conflicts (2 of 4 stars). 2 submissions from 2 submitters: Benign (2). Last evaluated 2018-06-24.

Conditions:
Usher syndrome type 2C. Also called: USHER SYNDROME, TYPE IIC; Usher syndrome, type 2B. Identifiers: Orphanet 231178, Orphanet 886, MedGen C2931213, MONDO:0011558, OMIM 605472.

Allele frequency attached by ClinVar (database versions not stated): gnomAD exomes 0.02808; gnomAD 0.04272 and 0.04341; TOPMed 0.04739; ExAC 0.05216; 1000 Genomes Project 30x 0.07636; 1000 Genomes Project 0.07768.
gnomAD v4.1: 18,221 of 808,928 alleles (2.3%); highest among the groups gnomAD compares: African/African-American, 13%; 935 homozygotes.

Submissions (12):

GeneDx
Classification: Benign. Last evaluated: 2018-06-24. Review status: criteria provided, single submitter. Criteria: GeneDx Variant Classification Process June 2021. Collection method: clinical testing. Allele origin: germline. Affected: yes.

Illumina Laboratory Services, Illumina
Classification: Benign for Usher syndrome type 2C. Last evaluated: 2018-01-12. Review status: criteria provided, single submitter. Criteria: ICSL Variant Classification Criteria 13 December 2019. Collection method: clinical testing. Allele origin: germline.
Comment: This variant was observed in the ICSL laboratory as part of a predisposition screen in an ostensibly healthy population. It had not been previously curated by ICSL or reported in the Human Gene Mutation Database (HGMD: prior to June 1st, 2018), and was therefore a candidate for classification through an automated scoring system. Utilizing variant allele frequency, disease prevalence and penetrance estimates, and inheritance mode, an automated score was calculated to assess if this variant is too frequent to cause the disease. Based on the score and internal cut-off values, a variant classified as benign is not then subjected to further curation. The score for this variant resulted in a classification of benign for this disease.

Dr. Peter K. Rogan Lab, Western University
No classification provided (evidence only). Condition: Uterine corpus endometrial carcinoma. Review status: no classification provided. Collection method: in vitro. Allele origin: not applicable. Functional consequence: retained intron. Not counted in ClinVar's aggregate classification.

Dr. Peter K. Rogan Lab, Western University
No classification provided (evidence only). Condition: Uterine corpus endometrial carcinoma. Review status: no classification provided. Collection method: in vitro. Allele origin: not applicable. Functional consequence: retained intron. Not counted in ClinVar's aggregate classification.

Dr. Peter K. Rogan Lab, Western University
No classification provided (evidence only). Condition: Uterine corpus endometrial carcinoma. Review status: no classification provided. Collection method: in vitro. Allele origin: not applicable. Functional consequence: retained intron. Not counted in ClinVar's aggregate classification.

Dr. Peter K. Rogan Lab, Western University
No classification provided (evidence only). Condition: Uterine corpus endometrial carcinoma. Review status: no classification provided. Collection method: in vitro. Allele origin: not applicable. Functional consequence: retained intron. Not counted in ClinVar's aggregate classification.

Dr. Peter K. Rogan Lab, Western University
No classification provided (evidence only). Condition: Cervical cancer. Review status: no classification provided. Collection method: in vitro. Allele origin: not applicable. Functional consequence: retained intron. Not counted in ClinVar's aggregate classification.

Dr. Peter K. Rogan Lab, Western University
No classification provided (evidence only). Condition: Gastric cancer. Review status: no classification provided. Collection method: in vitro. Allele origin: not applicable. Functional consequence: retained intron. Not counted in ClinVar's aggregate classification.

Dr. Peter K. Rogan Lab, Western University
No classification provided (evidence only). Condition: Uterine carcinosarcoma. Review status: no classification provided. Collection method: in vitro. Allele origin: not applicable. Functional consequence: retained intron. Not counted in ClinVar's aggregate classification.

Dr. Peter K. Rogan Lab, Western University
No classification provided (evidence only). Condition: Malignant tumor of esophagus. Review status: no classification provided. Collection method: in vitro. Allele origin: not applicable. Functional consequence: retained intron. Not counted in ClinVar's aggregate classification.

Dr. Peter K. Rogan Lab, Western University
No classification provided (evidence only). Condition: Malignant tumor of esophagus. Review status: no classification provided. Collection method: in vitro. Allele origin: not applicable. Functional consequence: retained intron. Not counted in ClinVar's aggregate classification.

Dr. Peter K. Rogan Lab, Western University
No classification provided (evidence only). Condition: Malignant tumor of esophagus. Review status: no classification provided. Collection method: in vitro. Allele origin: not applicable. Functional consequence: retained intron. Not counted in ClinVar's aggregate classification.